The following is an entry in ClinVar:

NM_206937.2(LIG4):c.982_984del (p.Leu328del)

Gene: LIG4 (DNA ligase 4; minus strand). Cytogenetic location: 13q33.3.
Variant type: Deletion.
Coding change: c.982_984del on transcript NM_206937.2 (MANE Select); coding-DNA positions 982 to 984, 3 bases deleted (CTT; older notation c.982_984delCTT).
Protein change: p.Leu328del; deletes leucine 328.
Genome position (GRCh38, 1-based): chr13:108,210,285-108,210,287, AAG deleted on the plus strand (CTT on the coding strand, the reverse complement: LIG4 is on the minus strand); deleting any 3 consecutive bases within chr13:108,210,285-108,210,289 gives the same sequence; the c. name uses the placement nearest the transcript's 3' end. VCF-style (leftmost placement, unchanged base first): chr13-108210284-CAAG-C. GRCh37 (hg19) VCF-style: chr13-108862632-CAAG-C.
Other names: p.Leu328del; c.982_984del, p.Leu328del (NM_001098268.2, NM_001352598.2, NM_001352599.2 and 6 more transcripts); c.781_783del, p.Leu261del (NM_001330595.2); c.1018_1020del, p.Leu340del (NM_001352604.2); short protein forms L261del, L328del, L340del.
Identifiers: ClinVar variation 3391313 (VCV003391313.3).
Genomic context (GRCh38, chr13:108,210,284, plus strand): 5'-ACTTAGTTCCCTTTTGCATGAAAGTTTGTGTATTAGGATTATAGGCCATCATCTCACCAT[CAAG>C]AATACAGATTTGTATATCTGCTTTGAATGCATTATGAATGAATGGGGTAAGAGAACCTTC-3'

ClinVar aggregate classification (germline): Uncertain significance. Review status: criteria provided, multiple submitters, no conflicts (2 of 4 stars). 2 submissions from 2 submitters: Uncertain significance (2). Last evaluated 2026-08-05.

Conditions:
DNA ligase IV deficiency. Identifiers: Orphanet 99812, MedGen C1847827, MONDO:0011686, OMIM 606593.

Submissions (2):

Foundation for Research in Genetics and Endocrinology, FRIGE's Institute of Human Genetics
Classification: Uncertain significance for DNA ligase IV deficiency. Last evaluated: 2026-08-05. Review status: criteria provided, single submitter. Criteria: ACMG Guidelines, 2015. Collection method: clinical testing. Allele origin: germline. Inheritance: Autosomal recessive inheritance. Affected: yes. Observed: 1 variant allele, 1 homozygote.
Comment: A homozygous variant c.982_984del (p.Leu328del) in exon 7 of the LIG4 gene. This variant has a minor allele frequency (MAF) of 0.001% in the gnomAD database and has not been reported in 1000 genomes and topmed database. In summary, the variant meets our criteria to be classified as variant of uncertain significance.

Neuberg Centre For Genomic Medicine, NCGM
Classification: Uncertain significance for DNA ligase IV deficiency. Review status: criteria provided, single submitter. Criteria: ACMG Guidelines, 2015. Collection method: clinical testing. Allele origin: germline. Inheritance: Autosomal recessive inheritance. Affected: yes.